The following is an entry in ClinVar:

NM_001256071.3(RNF213):c.6222C>T (p.Leu2074=)

Gene: RNF213 (ring finger protein 213; plus strand). Cytogenetic location: 17q25.3.
Variant type: single nucleotide variant.
Coding change: c.6222C>T on transcript NM_001256071.3 (MANE Select); coding-DNA position 6222, C replaced by T.
Protein change: p.Leu2074=; no amino-acid change (leucine 2074 retained).
Molecular consequence: synonymous variant.
Genome position (GRCh38, 1-based): chr17:80,343,895, C>T. VCF-style: chr17-80343895-C-T. GRCh37 (hg19) VCF-style: chr17-78317695-C-T.
Other names: p.Leu2074=; c.6369C>T, p.Leu2123= (NM_001410195.1, NM_020914.5).
Identifiers: ClinVar variation 3710383 (VCV003710383.4).

ClinVar aggregate classification (germline): Benign/Likely benign. Review status: criteria provided, multiple submitters, no conflicts (2 of 4 stars). 3 submissions from 3 submitters: Benign (1); Likely benign (2). Last evaluated 2025-10-03.

gnomAD v4.1: 125 of 1,614,202 alleles (0.0077%); highest among the groups gnomAD compares: East Asian, 0.24%; no homozygotes.

Submissions (3):

Mayo Clinic Laboratories, Mayo Clinic
Classification: Likely benign. Last evaluated: 2025-10-03. Review status: criteria provided, single submitter. Criteria: ACMG Guidelines, 2015. Collection method: clinical testing. Allele origin: germline. Observed: 1 variant allele.
Comment: BS1, BP4, BP7

Blueprint Genetics
Classification: Likely benign. Last evaluated: 2024-10-30. Review status: criteria provided, single submitter. Criteria: ACMG Guidelines, 2015. Collection method: clinical testing. Allele origin: germline.

Labcorp Genetics (formerly Invitae), Labcorp
Classification: Benign. Last evaluated: 2024-02-16. Review status: criteria provided, single submitter. Criteria: Invitae Variant Classification Sherloc (09022015). Collection method: clinical testing. Allele origin: germline.